The following is an entry in ClinVar:

NM_000430.4(PAFAH1B1):c.671+3_671+4insCTTTAGTTTAGTTGAAAAGTA

Gene: PAFAH1B1 (platelet activating factor acetylhydrolase 1b regulatory subunit 1; plus strand). Cytogenetic location: 17p13.3.
Variant type: Insertion.
Coding change: c.671+3_671+4insCTTTAGTTTAGTTGAAAAGTA on transcript NM_000430.4 (MANE Select); bases 3 to 4 of the intron after coding-DNA position 671, CTTTAGTTTAGTTGAAAAGTA inserted.
Molecular consequence: splice donor variant.
Genome position: GRCh38 VCF-style: chr17-2672757-G-GGTACTTTAGTTTAGTTGAAAA. GRCh37 (hg19) VCF-style: chr17-2576051-G-GGTACTTTAGTTTAGTTGAAAA.
Identifiers: ClinVar variation 3726765 (VCV003726765.2).
Genomic context (GRCh38, chr17:2,672,757, plus strand): 5'-GAGATCATATAGTGTCTGCCTCAAGGGATAAAACTATAAAAATGTGGGAAGTGCAAACTG[G>GGTACTTTAGTTTAGTTGAAAA]GTAAGTAAGTTTAGTTGAAAAGGCATCAGCGGCCAGGTGCAGTGGCTCACACCTGTCATC-3'

ClinVar aggregate classification (germline): Uncertain significance (1 of 4 stars; one submission).

Submission:

Labcorp Genetics (formerly Invitae), Labcorp
Classification: Uncertain significance. Last evaluated: 2024-12-07. Review status: criteria provided, single submitter. Criteria: Invitae Variant Classification Sherloc (09022015). Collection method: clinical testing. Allele origin: germline.
Comment: This sequence change falls in intron 7 of the PAFAH1B1 gene. It does not directly change the encoded amino acid sequence of the PAFAH1B1 protein. It affects a nucleotide within the consensus splice site. This variant is not present in population databases (gnomAD no frequency). This variant has not been reported in the literature in individuals affected with PAFAH1B1-related conditions. Variants that disrupt the consensus splice site are a relatively common cause of aberrant splicing (PMID: 17576681, 9536098). In summary, the available evidence is currently insufficient to determine the role of this variant in disease. Therefore, it has been classified as a Variant of Uncertain Significance.

Literature cited by the submitters: PubMed 17576681; PubMed 9536098.